The following is an entry in ClinVar:

ClinVar aggregate classification (germline): Uncertain significance (1 of 4 stars; one submission).

Submission:

Labcorp Genetics (formerly Invitae), Labcorp
Classification: Uncertain significance. Last evaluated: 2022-12-16. Review status: criteria provided, single submitter. Criteria: Invitae Variant Classification Sherloc (09022015). Collection method: clinical testing. Allele origin: germline.
Comment: In summary, the available evidence is currently insufficient to determine the role of this variant in disease. Therefore, it has been classified as a Variant of Uncertain Significance. Algorithms developed to predict the effect of missense changes on protein structure and function (SIFT, PolyPhen-2, Align-GVGD) all suggest that this variant is likely to be disruptive. This variant has not been reported in the literature in individuals affected with ARID1B-related conditions. This variant is not present in population databases (gnomAD no frequency). This sequence change replaces asparagine, which is neutral and polar, with threonine, which is neutral and polar, at codon 1185 of the ARID1B protein (p.Asn1185Thr).

NM_001374828.1(ARID1B):c.3923A>C (p.Asn1308Thr)

Gene: ARID1B (AT-rich interaction domain 1B; plus strand). Cytogenetic location: 6q25.3.
Variant type: single nucleotide variant.
Coding change: c.3923A>C on transcript NM_001374828.1 (MANE Select); coding-DNA position 3923, A replaced by C.
Protein change: p.Asn1308Thr; replaces asparagine 1308 with threonine.
Molecular consequence: missense variant.
Genome position (GRCh38, 1-based): chr6:157,189,645, A>C. VCF-style: chr6-157189645-A-C. GRCh37 (hg19) VCF-style: chr6-157510779-A-C.
Other names: c.3674A>C, p.Asn1225Thr (NM_001346813.1); c.1424A>C, p.Asn475Thr (NM_001363725.2); c.3803A>C, p.Asn1268Thr (NM_001371656.1, NM_001374820.1); c.3764A>C, p.Asn1255Thr (NM_017519.3); c.3554A>C, p.Asn1185Thr (NM_020732.3); c.3341A>C, p.Asn1114Thr (NM_175863.2); short protein forms N1255T, N1114T, N1185T, N1268T, N1308T, N1225T, N475T.
Identifiers: ClinVar variation 2008824 (VCV002008824.4), dbSNP rs2538498045, ClinGen allele CA366233997.